The following is an entry in ClinVar:

NM_032383.5(HPS3):c.35C>A (p.Ser12Ter)

Gene: HPS3 (HPS3 biogenesis of lysosomal organelles complex 2 subunit 1; plus strand). Cytogenetic location: 3q24.
Variant type: single nucleotide variant.
Coding change: c.35C>A on transcript NM_032383.5 (MANE Select); coding-DNA position 35, C replaced by A.
Protein change: p.Ser12Ter; replaces serine 12 with a stop codon.
Molecular consequence: nonsense.
Genome position (GRCh38, 1-based): chr3:149,129,758, C>A. VCF-style: chr3-149129758-C-A. GRCh37 (hg19) VCF-style: chr3-148847545-C-A.
Other names: c.35C>A, p.Ser12Ter (NM_001308258.2); c.35C>A (NM_032383.4); short protein forms S12*.
Identifiers: ClinVar variation 1424991 (VCV001424991.7), dbSNP rs1466073004, ClinGen allele CA354906296.
Genomic context (GRCh38, chr3:149,129,758, plus strand): 5'-GCTGTGCCATCCCGCCGGACGTCGGGATGGTGCAGCTGTACAACCTGCACCCGTTCGGGT[C>A]GCAGCAGGTGGTGCCCTGCAAGCTGGAGCCGGACCGGTTCTGTGGCGGGGGGCGTGACGC-3'

ClinVar aggregate classification (germline): Pathogenic/Likely pathogenic. Review status: criteria provided, multiple submitters, no conflicts (2 of 4 stars). 3 submissions from 3 submitters: Pathogenic (1); Likely pathogenic (2). Last evaluated 2024-06-28.

Conditions:
Hermansky-Pudlak syndrome (HPS). Also called: ALBINISM WITH HEMORRHAGIC DIATHESIS AND PIGMENTED RETICULOENDOTHELIAL CELLS. Identifiers: Orphanet 79430, MedGen C0079504, MONDO:0019312.
Hermansky-Pudlak syndrome 3 (HPS3). Identifiers: Orphanet 231512, Orphanet 79430, MedGen C3888001, MONDO:0013555, OMIM 614072.

Submissions (3):

Natera, Inc.
Classification: Likely pathogenic for Hermansky-Pudlak syndrome. Last evaluated: 2024-06-28. Review status: criteria provided, single submitter. Criteria: Natera Variant Classification Schema (03/2026). Collection method: clinical testing. Allele origin: germline.
Comment: The c.35C>A variant in HPS3 is a nonsense variant predicted to introduce a stop codon at amino acid 12. This variant is expected to result in nonsense mediated decay, truncation, or a dysfunctional protein product. This variant is rare in the general population with a frequency below the threshold expected for the associated phenotype(s). Given the available evidence, this variant is classified as Likely Pathogenic.

Neuberg Centre For Genomic Medicine, NCGM
Classification: Likely pathogenic for Hermansky-Pudlak syndrome 3. Last evaluated: 2023-02-14. Review status: criteria provided, single submitter. Criteria: ACMG Guidelines, 2015. Collection method: clinical testing. Allele origin: germline. Inheritance: Autosomal recessive inheritance. Affected: yes.
Comment: The stop gain c.35C>A (p.Ser12Ter) variant in HPS3 gene has been reported to ClinVar as a Pathogenic, but no details are available for independent assessment. The p.Ser12Ter variant is novel (not in any individuals) in gnomAD Exomes and 1000 Genomes. The nucleotide change c.35C>A in HPS3 is predicted as conserved by GERP++ and PhyloP across 100 vertebrates. This variant is predicted to cause loss of normal protein function through protein truncation. Loss of function variants have been previously reported to be disease causing. For these reasons, this variant has been classified as Likely Pathogenic.

Labcorp Genetics (formerly Invitae), Labcorp
Classification: Pathogenic. Last evaluated: 2021-02-20. Review status: criteria provided, single submitter. Criteria: Invitae Variant Classification Sherloc (09022015). Collection method: clinical testing. Allele origin: germline.
Comment: This variant has not been reported in the literature in individuals with HPS3-related conditions. Algorithms developed to predict the effect of sequence changes on RNA splicing suggest that this variant may create or strengthen a splice site, but this prediction has not been confirmed by published transcriptional studies. For these reasons, this variant has been classified as Pathogenic. This variant is not present in population databases (ExAC no frequency). This sequence change creates a premature translational stop signal (p.Ser12*) in the HPS3 gene. It is expected to result in an absent or disrupted protein product. Loss-of-function variants in HPS3 are known to be pathogenic (PMID: 11590544).

Literature cited by the submitters: PubMed 11590544 (cited by Labcorp Genetics (formerly Invitae), Labcorp).